The following is an entry in ClinVar:

NM_005502.4(ABCA1):c.3912G>T (p.Glu1304Asp)

Gene: ABCA1 (ATP binding cassette subfamily A member 1; minus strand). Cytogenetic location: 9q31.1.
Variant type: single nucleotide variant.
Coding change: c.3912G>T on transcript NM_005502.4 (MANE Select); coding-DNA position 3912, G replaced by T.
Protein change: p.Glu1304Asp; replaces glutamic acid 1304 with aspartic acid.
Molecular consequence: missense variant.
Genome position (GRCh38, 1-based): chr9:104,812,712, C>A on the plus strand (G>T on the coding strand, the complement: ABCA1 is on the minus strand). VCF-style: chr9-104812712-C-A. GRCh37 (hg19) VCF-style: chr9-107574993-C-A.
Other names: short protein forms E1304D.
Identifiers: ClinVar variation 1736127 (VCV001736127.2), dbSNP rs2538113373, ClinGen allele CA374317282.
Genomic context (GRCh38, chr9:104,812,712, plus strand): 5'-AAGTTTCCAGCCTTTCACCTGGTAGGACCCTTTGCCATCCATCCCACTGAGCAAGTCTGT[C>A]TCTCTGGATTCTGCAAGAAGCCAACACTGAAGGTCACCTATTATCTTAGGTGTTTTCGGC-3'
Protein context (NP_005493.2, residues 1294-1314): NDSDIDPESR[Glu1304Asp]TDLLSGMDGK

ClinVar aggregate classification (germline): Uncertain significance (1 of 4 stars; one submission).

Conditions:
Cardiovascular phenotype. Identifiers: MedGen CN230736.

Submission:

Ambry Genetics
Classification: Uncertain significance for Cardiovascular phenotype. Last evaluated: 2022-09-26. Review status: criteria provided, single submitter. Criteria: Ambry Variant Classification Scheme 2023. Collection method: clinical testing. Allele origin: germline.
Comment: The p.E1304D variant (also known as c.3912G>T), located in coding exon 27 of the ABCA1 gene, results from a G to T substitution at nucleotide position 3912. The glutamic acid at codon 1304 is replaced by aspartic acid, an amino acid with highly similar properties. This amino acid position is conserved. In addition, the in silico prediction for this alteration is inconclusive. Since supporting evidence is limited at this time, the clinical significance of this alteration remains unclear.